The following is an entry in ClinVar:

ClinVar aggregate classification (germline): Benign (0 of 4 stars; one submission).

Conditions:
MYT1-related disorder. Also called: MYT1-related condition.

Allele frequency attached by ClinVar (database versions not stated): TOPMed 0.03948; gnomAD 0.04238; ESP Exome Variant Server 0.04283; 1000 Genomes Project 30x 0.04685; 1000 Genomes Project 0.04812; ExAC 0.05138; gnomAD exomes 0.05154.
gnomAD v4.1: 81,892 of 1,613,108 alleles (5.1%); highest among the groups gnomAD compares: South Asian, 9.8%; 2,535 homozygotes.

Submission:

PreventionGenetics, part of Exact Sciences
Classification: Benign for MYT1-related condition. Last evaluated: 2019-10-31. Review status: no assertion criteria provided. Collection method: clinical testing. Allele origin: germline.
Comment: This variant is classified as benign based on ACMG/AMP sequence variant interpretation guidelines (Richards et al. 2015 PMID: 25741868, with internal and published modifications).

NM_004535.3(MYT1):c.2739C>T (p.Ser913=)

Gene: MYT1 (myelin transcription factor 1; plus strand). Cytogenetic location: 20q13.33.
Variant type: single nucleotide variant.
Coding change: c.2739C>T on transcript NM_004535.3 (MANE Select); coding-DNA position 2739, C replaced by T.
Protein change: p.Ser913=; no amino-acid change (serine 913 retained).
Molecular consequence: synonymous variant.
Genome position (GRCh38, 1-based): chr20:64,232,227, C>T. VCF-style: chr20-64232227-C-T. GRCh37 (hg19) VCF-style: chr20-62863580-C-T.
Identifiers: ClinVar variation 3056309 (VCV003056309.2), dbSNP rs41279352, ClinGen allele CA9975317.
Genomic context (GRCh38, chr20:64,232,227, plus strand): 5'-CCCAGTTCCAGGCTGTGTGGGGCTCGGTCACATCAGCGGGAAATACGCCTCTCACAGGAG[C>T]GCATCCGGCTGCCCACTGGCCGCCCGCAGGCAGAAGGAAGGGTCCCTCAATGGCTCGTCA-3'
Protein context (NP_004526.1, residues 903-923): HISGKYASHR[Ser913=]ASGCPLAARR